The following is an entry in ClinVar:

ClinVar aggregate classification (germline): Pathogenic (1 of 4 stars; one submission).

Submission:

Labcorp Genetics (formerly Invitae), Labcorp
Classification: Pathogenic. Last evaluated: 2023-01-20. Review status: criteria provided, single submitter. Criteria: Invitae Variant Classification Sherloc (09022015). Collection method: clinical testing. Allele origin: germline.
Comment: This variant has not been reported in the literature in individuals affected with PLS3-related conditions. This variant is not present in population databases (gnomAD no frequency). This sequence change creates a premature translational stop signal (p.Leu228Trpfs*18) in the PLS3 gene. It is expected to result in an absent or disrupted protein product. Loss-of-function variants in PLS3 are known to be pathogenic (PMID: 24088043, 30405713, 33166085). For these reasons, this variant has been classified as Pathogenic.

Literature cited by the submitters: PubMed 24088043; PubMed 30405713; PubMed 33166085.

NM_005032.7(PLS3):c.683del (p.Leu228fs)

Gene: PLS3 (plastin 3; plus strand). Cytogenetic location: Xq23.
Variant type: Deletion.
Coding change: c.683del on transcript NM_005032.7 (MANE Select); coding-DNA position 683, one base deleted (T; older notation c.683delT).
Protein change: p.Leu228fs; shifts the reading frame from leucine 228.
Molecular consequence: frameshift variant.
Genome position (GRCh38, 1-based): chrX:115,634,981, T deleted; the last of 4 consecutive T bases (chrX:115,634,978-115,634,981); deleting any one gives the same sequence. VCF-style (leftmost placement, unchanged base first): chrX-115634977-GT-G. GRCh37 (hg19) VCF-style: chrX-114869289-GT-G.
Other names: c.683del, p.Leu228fs (NM_001136025.5); c.602del, p.Leu201fs (NM_001172335.3); c.617del, p.Leu206fs (NM_001282337.2); c.548del, p.Leu183fs (NM_001282338.2); short protein forms L201fs, L183fs, L228fs, L206fs.
Identifiers: ClinVar variation 2032457 (VCV002032457.4), dbSNP rs2521452825, ClinGen allele CA2510176116.